The following is an entry in ClinVar:

ClinVar aggregate classification (germline): Uncertain significance (1 of 4 stars; one submission).

Conditions:
Emery-Dreifuss muscular dystrophy 4, autosomal dominant (EDMD4). Also called: EMERY-DREIFUSS MUSCULAR DYSTROPHY 4 WITH VARIABLE FEATURES. Identifiers: Orphanet 261, MedGen C2751807, MONDO:0013071, OMIM 612998.
Autosomal recessive ataxia, Beauce type. Also called: Spinocerebellar ataxia, autosomal recessive 8; ATAXIA, RECESSIVE, OF BEAUCE; SYNE1 Deficiency; SYNE1-Related Autosomal Recessive Cerebellar Ataxia. Identifiers: Orphanet 88644, MedGen C1853116, MONDO:0012549, OMIM 610743.

Allele frequency attached by ClinVar (database versions not stated): TOPMed 0.00001.
gnomAD v4.1: 4 of 1,614,190 alleles (0.00025%); highest among the groups gnomAD compares: Non-Finnish European, 0.00025%; no homozygotes.

Submission:

Labcorp Genetics (formerly Invitae), Labcorp
Classification: Uncertain significance for Emery-Dreifuss muscular dystrophy 4, autosomal dominant; Autosomal recessive ataxia, Beauce type. Last evaluated: 2021-10-12. Review status: criteria provided, single submitter. Criteria: Invitae Variant Classification Sherloc (09022015). Collection method: clinical testing. Allele origin: germline.
Comment: In summary, the available evidence is currently insufficient to determine the role of this variant in disease. Therefore, it has been classified as a Variant of Uncertain Significance. Algorithms developed to predict the effect of missense changes on protein structure and function (SIFT, PolyPhen-2, Align-GVGD) all suggest that this variant is likely to be tolerated. This variant has not been reported in the literature in individuals affected with SYNE1-related conditions. This variant is not present in population databases (ExAC no frequency). This sequence change replaces methionine with isoleucine at codon 4812 of the SYNE1 protein (p.Met4812Ile). The methionine residue is moderately conserved and there is a small physicochemical difference between methionine and isoleucine.

NM_182961.4(SYNE1):c.14649G>A (p.Met4883Ile)

Gene: SYNE1 (spectrin repeat containing nuclear envelope protein 1; minus strand). Cytogenetic location: 6q25.2.
Variant type: single nucleotide variant.
Coding change: c.14649G>A on transcript NM_182961.4 (MANE Select); coding-DNA position 14649, G replaced by A.
Protein change: p.Met4883Ile; replaces methionine 4883 with isoleucine.
Molecular consequence: missense variant.
Genome position (GRCh38, 1-based): chr6:152,330,036, C>T on the plus strand (G>A on the coding strand, the complement: SYNE1 is on the minus strand). VCF-style: chr6-152330036-C-T. GRCh37 (hg19) VCF-style: chr6-152651171-C-T.
Other names: c.14436G>A, p.Met4812Ile (NM_033071.5); short protein forms M4812I, M4883I.
Identifiers: ClinVar variation 1432334 (VCV001432334.6), dbSNP rs922999800, ClinGen allele CA150175826.